The following is an entry in ClinVar:

NM_001256071.3(RNF213):c.8799G>A (p.Ala2933=)

Gene: RNF213 (ring finger protein 213; plus strand). Cytogenetic location: 17q25.3.
Variant type: single nucleotide variant.
Coding change: c.8799G>A on transcript NM_001256071.3 (MANE Select); coding-DNA position 8799, G replaced by A.
Protein change: p.Ala2933=; no amino-acid change (alanine 2933 retained).
Molecular consequence: synonymous variant.
Genome position (GRCh38, 1-based): chr17:80,347,134, G>A. VCF-style: chr17-80347134-G-A. GRCh37 (hg19) VCF-style: chr17-78320934-G-A.
Other names: c.8946G>A, p.Ala2982= (NM_001410195.1, NM_020914.5).
Identifiers: ClinVar variation 2648421 (VCV002648421.27), dbSNP rs141391616, ClinGen allele CA8821007.
Genomic context (GRCh38, chr17:80,347,134, plus strand): 5'-CGCCAAGGGCATCTGCTCCTCAGACATCCTCGTCCAGGACCGAGTCCAAGGGTACTTTGC[G>A]TCCTTTGCCAAAGCCTACGAAACGGTGTGTAAGCGCCAGGACAAGGAATTCTTCGGGCTT-3'
Protein context (NP_001243000.2, residues 2923-2943): LVQDRVQGYF[Ala2933=]SFAKAYETVC

ClinVar aggregate classification (germline): Benign/Likely benign. Review status: criteria provided, multiple submitters, no conflicts (2 of 4 stars). 3 submissions from 3 submitters: Benign (1); Likely benign (2). Last evaluated 2026-01-16.

Allele frequency attached by ClinVar (database versions not stated): gnomAD exomes 0.00007; ESP Exome Variant Server 0.00023; ExAC 0.00026; gnomAD 0.00046; TOPMed 0.00057; 1000 Genomes Project 0.00100; 1000 Genomes Project 30x 0.00109.
gnomAD v4.1: 172 of 1,614,022 alleles (0.011%); highest among the groups gnomAD compares: African/African-American, 0.16%; no homozygotes.

Submissions (3):

Labcorp Genetics (formerly Invitae), Labcorp
Classification: Benign. Last evaluated: 2026-01-16. Review status: criteria provided, single submitter. Criteria: Invitae Variant Classification Sherloc (09022015). Collection method: clinical testing. Allele origin: germline.

CeGaT Center for Human Genetics Tuebingen
Classification: Likely benign. Last evaluated: 2022-12-01. Review status: criteria provided, single submitter. Criteria: CeGaT Center For Human Genetics Tuebingen Variant Classification Criteria Version 2. Collection method: clinical testing. Allele origin: germline. Affected: yes. Observed: 1 variant allele.
Comment: RNF213: BP4, BP7

Blueprint Genetics
Classification: Likely benign. Last evaluated: 2019-11-27. Review status: criteria provided, single submitter. Criteria: ACMG Guidelines, 2015. Collection method: clinical testing. Allele origin: germline.